The following is an entry in ClinVar:

NM_025074.7(FRAS1):c.1668C>T (p.Gly556=)

Gene: FRAS1 (Fraser extracellular matrix complex subunit 1; plus strand). Cytogenetic location: 4q21.21.
Variant type: single nucleotide variant.
Coding change: c.1668C>T on transcript NM_025074.7 (MANE Select); coding-DNA position 1668, C replaced by T.
Protein change: p.Gly556=; no amino-acid change (glycine 556 retained).
Molecular consequence: synonymous variant.
Genome position (GRCh38, 1-based): chr4:78,308,199, C>T. VCF-style: chr4-78308199-C-T. GRCh37 (hg19) VCF-style: chr4-79229353-C-T.
Other names: c.1668C>T, p.Gly556= (NM_001166133.2).
Identifiers: ClinVar variation 2869371 (VCV002869371.9), dbSNP rs2476746522, ClinGen allele CA439974140.

ClinVar aggregate classification (germline): Likely benign. Review status: criteria provided, multiple submitters, no conflicts (2 of 4 stars). 2 submissions from 2 submitters: Likely benign (2). Last evaluated 2025-10-01.

Submissions (2):

CeGaT Center for Human Genetics Tuebingen
Classification: Likely benign. Last evaluated: 2025-10-01. Review status: criteria provided, single submitter. Criteria: CeGaT Center For Human Genetics Tuebingen Variant Classification Criteria Version 2. Collection method: clinical testing. Allele origin: germline. Affected: yes. Observed: 1 variant allele.
Comment: FRAS1: PM2:Supporting, BP4, BP7

Labcorp Genetics (formerly Invitae), Labcorp
Classification: Likely benign. Last evaluated: 2023-08-23. Review status: criteria provided, single submitter. Criteria: Invitae Variant Classification Sherloc (09022015). Collection method: clinical testing. Allele origin: germline.